The following is an entry in ClinVar:

ClinVar aggregate classification (germline): Pathogenic. Review status: reviewed by expert panel (3 of 4 stars). 2 submissions from 2 submitters: Pathogenic (1). 1 of the submissions does not count toward it. Last evaluated 2016-10-18.

Conditions:
Breast-ovarian cancer, familial, susceptibility to, 2 (BROVCA2). Also called: BRCA2 Hereditary Breast and Ovarian Cancer. Identifiers: Orphanet 145, MedGen C2675520, MONDO:0012933, OMIM 612555. Disease mechanism: loss of function.

Submissions (2):

Evidence-based Network for the Interpretation of Germline Mutant Alleles (ENIGMA)
Classification: Pathogenic for Breast-ovarian cancer, familial, susceptibility to, 2. Last evaluated: 2016-10-18. Review status: reviewed by expert panel. Criteria: ENIGMA BRCA1/2 Classification Criteria (2015). Collection method: curation. Allele origin: germline.
Comment: Variant allele predicted to encode a truncated non-functional protein.

Consortium of Investigators of Modifiers of BRCA1/2 (CIMBA), c/o University of Cambridge
Classification: Pathogenic for Breast-ovarian cancer, familial, susceptibility to, 2. Last evaluated: 2015-10-02. Review status: criteria provided, single submitter. Criteria: CIMBA Mutation Classification guidelines May 2016. Collection method: clinical testing. Allele origin: germline. Not counted in ClinVar's aggregate classification.

NM_000059.4(BRCA2):c.2086G>T (p.Glu696Ter)

Gene: BRCA2 (BRCA2 DNA repair associated; plus strand). Cytogenetic location: 13q13.1.
Variant type: single nucleotide variant.
Coding change: c.2086G>T on transcript NM_000059.4 (MANE Select); coding-DNA position 2086, G replaced by T.
Protein change: p.Glu696Ter; replaces glutamic acid 696 with a stop codon.
Molecular consequence: nonsense.
Genome position (GRCh38, 1-based): chr13:32,336,441, G>T. VCF-style: chr13-32336441-G-T. GRCh37 (hg19) VCF-style: chr13-32910578-G-T.
Other names: 2314G>T; short protein forms E696*.
Identifiers: ClinVar variation 266675 (VCV000266675.5), dbSNP rs431825291, ClinGen allele CA10589133.